The following is an entry in ClinVar:

ClinVar aggregate classification (germline): Uncertain significance. Review status: criteria provided, multiple submitters, no conflicts (2 of 4 stars). 3 submissions from 3 submitters: Uncertain significance (3). Last evaluated 2025-05-15.

Conditions:
Inborn genetic diseases. Identifiers: MedGen C0950123, MeSH D030342.
Microcephaly 5, primary, autosomal recessive (MCPH5). Also called: ASPM Primary Microcephaly. Identifiers: Orphanet 2512, MedGen C1837501, MONDO:0012106, OMIM 608716.

Allele frequency attached by ClinVar (database versions not stated): gnomAD exomes 0.00001; gnomAD 0.00003; TOPMed 0.00005; ESP Exome Variant Server 0.00008.

Submissions (3):

Labcorp Genetics (formerly Invitae), Labcorp
Classification: Uncertain significance. Last evaluated: 2025-05-15. Review status: criteria provided, single submitter. Criteria: Invitae Variant Classification Sherloc (09022015). Collection method: clinical testing. Allele origin: germline.
Comment: This sequence change replaces leucine, which is neutral and non-polar, with phenylalanine, which is neutral and non-polar, at codon 2195 of the ASPM protein (p.Leu2195Phe). This variant is present in population databases (rs371020085, gnomAD 0.002%). This variant has not been reported in the literature in individuals affected with ASPM-related conditions. ClinVar contains an entry for this variant (Variation ID: 1475919). Invitae Evidence Modeling of protein sequence and biophysical properties (such as structural, functional, and spatial information, amino acid conservation, physicochemical variation, residue mobility, and thermodynamic stability) indicates that this missense variant is not expected to disrupt ASPM protein function with a negative predictive value of 80%. In summary, the available evidence is currently insufficient to determine the role of this variant in disease. Therefore, it has been classified as a Variant of Uncertain Significance.

Genome-Nilou Lab
Classification: Uncertain significance for Microcephaly 5, primary, autosomal recessive. Last evaluated: 2023-04-11. Review status: criteria provided, single submitter. Criteria: ACMG Guidelines, 2015. Collection method: clinical testing. Allele origin: germline. Affected: no.

Ambry Genetics
Classification: Uncertain significance for Inborn genetic diseases. Last evaluated: 2022-12-06. Review status: criteria provided, single submitter. Criteria: Ambry Variant Classification Scheme 2023. Collection method: clinical testing. Allele origin: germline.

NM_018136.5(ASPM):c.6583C>T (p.Leu2195Phe)

Gene: ASPM (assembly factor for spindle microtubules; minus strand). Cytogenetic location: 1q31.3.
Variant type: single nucleotide variant.
Coding change: c.6583C>T on transcript NM_018136.5 (MANE Select); coding-DNA position 6583, C replaced by T.
Protein change: p.Leu2195Phe; replaces leucine 2195 with phenylalanine.
Molecular consequence: missense variant. On other transcripts: intron variant (1).
Genome position (GRCh38, 1-based): chr1:197,102,668, G>A on the plus strand (C>T on the coding strand, the complement: ASPM is on the minus strand). VCF-style: chr1-197102668-G-A. GRCh37 (hg19) VCF-style: chr1-197071798-G-A.
Other names: c.6583C>T (NM_018136.4); c.4066-6504C>T (NM_001206846.2); short protein forms L2195F.
Identifiers: ClinVar variation 1475919 (VCV001475919.6), dbSNP rs371020085, ClinGen allele CA35871261.